The following is an entry in ClinVar:

ClinVar aggregate classification (germline): Uncertain significance (1 of 4 stars; one submission).

Conditions:
Early-onset Lafora body disease. Also called: Epilepsy, progressive myoclonic, 10. Identifiers: Orphanet 324290, MedGen C4225258, MONDO:0014717, OMIM 616640.

Submission:

Labcorp Genetics (formerly Invitae), Labcorp
Classification: Uncertain significance for Early-onset Lafora body disease. Last evaluated: 2021-05-11. Review status: criteria provided, single submitter. Criteria: Invitae Variant Classification Sherloc (09022015). Collection method: clinical testing. Allele origin: germline.
Comment: In summary, the available evidence is currently insufficient to determine the role of this variant in disease. Therefore, it has been classified as a Variant of Uncertain Significance. Experimental studies and prediction algorithms are not available or were not evaluated, and the functional significance of this variant is currently unknown. This variant has not been reported in the literature in individuals with PRDM8-related conditions. This variant is not present in population databases (ExAC no frequency). This sequence change creates a premature translational stop signal (p.Asn147Lysfs*2) in the PRDM8 gene. While this is not anticipated to result in nonsense mediated decay, it is expected to disrupt the last 543 amino acid(s) of the PRDM8 protein.

NM_001099403.2(PRDM8):c.441_444del (p.Asn147fs)

Genes: PRDM8 (PR/SET domain 8; plus strand), LOC126807094 (CDK7 strongly-dependent group 2 enhancer GRCh37_chr4:81121978-81123177; plus strand). Cytogenetic location: 4q21.21.
Variant type: Deletion.
Coding change: c.441_444del on transcript NM_001099403.2 (MANE Select); coding-DNA positions 441 to 444, 4 bases deleted (CAAA; older notation c.441_444delCAAA).
Protein change: p.Asn147fs; shifts the reading frame from asparagine 147.
Molecular consequence: frameshift variant.
Genome position (GRCh38, 1-based): chr4:80,201,511-80,201,514, CAAA deleted; deleting any 4 consecutive bases within chr4:80,201,509-80,201,514 gives the same sequence; the c. name uses the placement nearest the transcript's 3' end. VCF-style (leftmost placement, unchanged base first): chr4-80201508-CAACA-C. GRCh37 (hg19) VCF-style: chr4-81122662-CAACA-C.
Other names: c.441_444del, p.Asn147fs (NM_020226.4); short protein forms N147fs.
Identifiers: ClinVar variation 1353013 (VCV001353013.6), dbSNP rs2109877216, ClinGen allele CA2573138352.